The following is an entry in ClinVar:

NM_173628.4(DNAH17):c.6604A>G (p.Ile2202Val)

Genes: DNAH17 (dynein axonemal heavy chain 17; minus strand), DNAH17-AS1 (DNAH17 antisense RNA 1; plus strand). Cytogenetic location: 17q25.3.
Variant type: single nucleotide variant.
Coding change: c.6604A>G on transcript NM_173628.4 (MANE Select); coding-DNA position 6604, A replaced by G.
Protein change: p.Ile2202Val; replaces isoleucine 2202 with valine.
Molecular consequence: missense variant.
Genome position (GRCh38, 1-based): chr17:78,491,508, T>C on the plus strand (A>G on the coding strand, the complement: DNAH17 is on the minus strand). VCF-style: chr17-78491508-T-C. GRCh37 (hg19) VCF-style: chr17-76487590-T-C.
Other names: short protein forms I2202V.
Identifiers: ClinVar variation 2385028 (VCV002385028.3), dbSNP rs1411771946, ClinGen allele CA401255818.

ClinVar aggregate classification (germline): Conflicting classifications of pathogenicity. Review status: criteria provided, conflicting classifications (1 of 4 stars). 2 submissions from 2 submitters: Uncertain significance (1); Likely benign (1). Last evaluated 2025-11-06.

Conditions:
DNAH17-related disorder. Also called: DNAH17-related condition.
Inborn genetic diseases. Identifiers: MedGen C0950123, MeSH D030342.

Allele frequency attached by ClinVar (database versions not stated): gnomAD exomes 0.00001; gnomAD 0.00004.
gnomAD v4.1: 20 of 1,613,802 alleles (0.0012%); highest among the groups gnomAD compares: Admixed American, 0.0017%; no homozygotes.

Submissions (2):

PreventionGenetics, part of Exact Sciences
Classification: Uncertain significance for DNAH17-related condition. Last evaluated: 2025-11-06. Review status: criteria provided, single submitter. Criteria: ACMG Guidelines, 2015. Collection method: clinical testing. Allele origin: germline.
Comment: The DNAH17 c.6604A>G variant is predicted to result in the amino acid substitution p.Ile2202Val. To our knowledge, this variant has not been reported in the literature. This variant is reported in 0.0042% of alleles in individuals of African descent in gnomAD. At this time, the clinical significance of this variant is uncertain due to the absence of conclusive functional and genetic evidence.

Ambry Genetics
Classification: Likely benign for Inborn genetic diseases. Last evaluated: 2022-11-18. Review status: criteria provided, single submitter. Criteria: Ambry Variant Classification Scheme 2023. Collection method: clinical testing. Allele origin: germline.